The following is an entry in ClinVar:

NM_000088.4(COL1A1):c.2720_2730del (p.Lys907fs)

Gene: COL1A1 (collagen type I alpha 1 chain; minus strand). Cytogenetic location: 17q21.33.
Variant type: Deletion.
Coding change: c.2720_2730del on transcript NM_000088.4 (MANE Select); coding-DNA positions 2720 to 2730, 11 bases deleted (AAGGTCCCCGT).
Protein change: p.Lys907fs; shifts the reading frame from lysine 907.
Molecular consequence: frameshift variant.
Genome position (GRCh38, 1-based): chr17:50,189,476-50,189,486, ACGGGGACCTT deleted on the plus strand (AAGGTCCCCGT on the coding strand, the reverse complement: COL1A1 is on the minus strand). VCF-style (leftmost placement, unchanged base first): chr17-50189475-CACGGGGACCTT-C. GRCh37 (hg19) VCF-style: chr17-48266836-CACGGGGACCTT-C.
Other names: c.2720_2730delAAGGTCCCCGT (NM_000088.4); short protein forms K907fs.
Identifiers: ClinVar variation 4280698 (VCV004280698.1).

ClinVar aggregate classification (germline): Pathogenic (1 of 4 stars; one submission).

Conditions:
Osteogenesis imperfecta type I (OI1). Also called: OI, TYPE I; OSTEOGENESIS IMPERFECTA TARDA; OSTEOGENESIS IMPERFECTA WITH BLUE SCLERAE; Osteogenesis imperfecta type 1; Lobstein's Disease; Lobstein disease. Identifiers: Orphanet 216796, Orphanet 666, MedGen C0023931, MONDO:0008146, OMIM 166200. Disease mechanism: loss of function.

Submission:

Laboratory of Genetic Skeletal Anomaly, Seoul National University Children's Hospital
Classification: Pathogenic for Osteogenesis imperfecta type I. Last evaluated: 2025-03-01. Review status: criteria provided, single submitter. Criteria: ACMG Guidelines, 2015. Collection method: research. Allele origin: germline. Affected: yes.
Comment: This variant is a novel variant not previously reported in the literature or population databases. It was classified based on available in silico predictions and absence from gnomAD.